The following is an entry in ClinVar:

NM_005787.6(ALG3):c.1280T>A (p.Phe427Tyr)

Gene: ALG3 (ALG3 alpha-1,3- mannosyltransferase; minus strand). Cytogenetic location: 3q27.1.
Variant type: single nucleotide variant.
Coding change: c.1280T>A on transcript NM_005787.6 (MANE Select); coding-DNA position 1280, T replaced by A.
Protein change: p.Phe427Tyr; replaces phenylalanine 427 with tyrosine.
Molecular consequence: missense variant. On other transcripts: non-coding transcript variant (2).
Genome position (GRCh38, 1-based): chr3:184,242,551, A>T on the plus strand (T>A on the coding strand, the complement: ALG3 is on the minus strand). VCF-style: chr3-184242551-A-T. GRCh37 (hg19) VCF-style: chr3-183960339-A-T.
Other names: c.1136T>A, p.Phe379Tyr (NM_001006941.2); short protein forms F379Y, F427Y.
Identifiers: ClinVar variation 1208663 (VCV001208663.9), dbSNP rs770095687, ClinGen allele CA2729265.

ClinVar aggregate classification (germline): Uncertain significance. Review status: criteria provided, multiple submitters, no conflicts (2 of 4 stars). 3 submissions from 3 submitters: Uncertain significance (3). Last evaluated 2025-05-20.

Conditions:
Inborn genetic diseases. Identifiers: MedGen C0950123, MeSH D030342.
ALG3-congenital disorder of glycosylation. Also called: CONGENITAL DISORDER OF GLYCOSYLATION, TYPE Id; ALG3-CDG; CDG Id; CARBOHYDRATE-DEFICIENT GLYCOPROTEIN SYNDROME, TYPE IV; CDGS, TYPE IV. Identifiers: Orphanet 79321, MedGen C1832736, MONDO:0010998, OMIM 601110.

Allele frequency attached by ClinVar (database versions not stated): gnomAD exomes 0.00001 and 0.00003; ExAC 0.00002; gnomAD 0.00003; TOPMed 0.00004.

Submissions (3):

Ambry Genetics
Classification: Uncertain significance for Inborn genetic diseases. Last evaluated: 2025-05-20. Review status: criteria provided, single submitter. Criteria: Ambry Variant Classification Scheme 2023. Collection method: clinical testing. Allele origin: germline.

Labcorp Genetics (formerly Invitae), Labcorp
Classification: Uncertain significance for ALG3-congenital disorder of glycosylation. Last evaluated: 2022-05-16. Review status: criteria provided, single submitter. Criteria: Invitae Variant Classification Sherloc (09022015). Collection method: clinical testing. Allele origin: germline.
Comment: This sequence change replaces phenylalanine, which is neutral and non-polar, with tyrosine, which is neutral and polar, at codon 427 of the ALG3 protein (p.Phe427Tyr). This variant is present in population databases (rs770095687, gnomAD 0.007%). In summary, the available evidence is currently insufficient to determine the role of this variant in disease. Therefore, it has been classified as a Variant of Uncertain Significance. Algorithms developed to predict the effect of missense changes on protein structure and function (SIFT, PolyPhen-2, Align-GVGD) all suggest that this variant is likely to be tolerated. ClinVar contains an entry for this variant (Variation ID: 1208663). This variant has not been reported in the literature in individuals affected with ALG3-related conditions.

GeneDx
Classification: Uncertain significance. Last evaluated: 2020-02-12. Review status: criteria provided, single submitter. Criteria: GeneDx Variant Classification Process June 2021. Collection method: clinical testing. Allele origin: germline. Affected: yes.
Comment: Not observed at a significant frequency in large population cohorts (Lek et al., 2016); In silico analysis supports that this missense variant does not alter protein structure/function; Has not been previously published as pathogenic or benign to our knowledge